The following is an entry in ClinVar:

ClinVar aggregate classification (germline): Uncertain significance. Review status: criteria provided, multiple submitters, no conflicts (2 of 4 stars). 2 submissions from 2 submitters: Uncertain significance (2). Last evaluated 2023-10-06.

Conditions:
Leber congenital amaurosis 2 (LCA2). Also called: AMAUROSIS CONGENITA OF LEBER II; Autosomal Recessive RPE65-Related Retinal Degeneration. Identifiers: Orphanet 65, MedGen C1859844, MONDO:0008765, OMIM 204100. Disease mechanism: loss of function.
Retinitis pigmentosa 20 (RP20). Identifiers: Orphanet 791, MedGen C3151086, MONDO:0013425, OMIM 613794.

Allele frequency attached by ClinVar (database versions not stated): gnomAD exomes 0.00001 and 0.00003; ExAC 0.00004.
gnomAD v4.1: 15 of 1,613,782 alleles (0.00093%); highest among the groups gnomAD compares: South Asian, 0.016%; no homozygotes.

Submissions (2):

Blueprint Genetics
Classification: Uncertain significance. Last evaluated: 2023-10-06. Review status: criteria provided, single submitter. Criteria: ACMG Guidelines, 2015. Collection method: clinical testing. Allele origin: germline.

Labcorp Genetics (formerly Invitae), Labcorp
Classification: Uncertain significance for Leber congenital amaurosis 2; Retinitis pigmentosa 20. Last evaluated: 2021-09-01. Review status: criteria provided, single submitter. Criteria: Invitae Variant Classification Sherloc (09022015). Collection method: clinical testing. Allele origin: germline.
Comment: This sequence change replaces proline with threonine at codon 463 of the RPE65 protein (p.Pro463Thr). The proline residue is moderately conserved and there is a small physicochemical difference between proline and threonine. This variant is present in population databases (rs375358477, ExAC 0.03%). This variant has not been reported in the literature in individuals affected with RPE65-related conditions. Algorithms developed to predict the effect of missense changes on protein structure and function (SIFT, PolyPhen-2, Align-GVGD) all suggest that this variant is likely to be tolerated. In summary, the available evidence is currently insufficient to determine the role of this variant in disease. Therefore, it has been classified as a Variant of Uncertain Significance.

NM_000329.3(RPE65):c.1387C>A (p.Pro463Thr)

Gene: RPE65 (retinoid isomerohydrolase RPE65; minus strand). Cytogenetic location: 1p31.3.
Variant type: single nucleotide variant.
Coding change: c.1387C>A on transcript NM_000329.3 (MANE Select); coding-DNA position 1387, C replaced by A.
Protein change: p.Pro463Thr; replaces proline 463 with threonine.
Molecular consequence: missense variant.
Genome position (GRCh38, 1-based): chr1:68,431,128, G>T on the plus strand (C>A on the coding strand, the complement: RPE65 is on the minus strand). VCF-style: chr1-68431128-G-T. GRCh37 (hg19) VCF-style: chr1-68896811-G-T.
Other names: short protein forms P463T.
Identifiers: ClinVar variation 1372089 (VCV001372089.6), dbSNP rs375358477, ClinGen allele CA902184.